The following is an entry in ClinVar:

ClinVar aggregate classification (germline): Uncertain significance. Review status: criteria provided, multiple submitters, no conflicts (2 of 4 stars). 2 submissions from 2 submitters: Uncertain significance (2). Last evaluated 2023-10-18.

Conditions:
Hereditary cancer-predisposing syndrome. Also called: Tumor predisposition; Hereditary Cancer Syndrome; Hereditary neoplastic syndrome; Neoplastic Syndromes, Hereditary. Identifiers: Orphanet 140162, MedGen C0027672, MeSH D009386, MONDO:0015356.
Multiple endocrine neoplasia, type 2 (MEN2). Identifiers: Orphanet 653, MedGen C4048306, MONDO:0019003. Disease mechanism: gain of function.

Submissions (2):

Labcorp Genetics (formerly Invitae), Labcorp
Classification: Uncertain significance for Multiple endocrine neoplasia, type 2. Last evaluated: 2023-10-18. Review status: criteria provided, single submitter. Criteria: Invitae Variant Classification Sherloc (09022015). Collection method: clinical testing. Allele origin: germline.
Comment: This sequence change replaces proline, which is neutral and non-polar, with alanine, which is neutral and non-polar, at codon 117 of the RET protein (p.Pro117Ala). This variant is not present in population databases (gnomAD no frequency). This variant has not been reported in the literature in individuals affected with RET-related conditions. An algorithm developed to predict the effect of missense changes on protein structure and function (PolyPhen-2) suggests that this variant is likely to be tolerated. In summary, the available evidence is currently insufficient to determine the role of this variant in disease. Therefore, it has been classified as a Variant of Uncertain Significance.

Ambry Genetics
Classification: Uncertain significance for Hereditary cancer-predisposing syndrome. Last evaluated: 2023-06-22. Review status: criteria provided, single submitter. Criteria: Ambry Variant Classification Scheme 2023. Collection method: clinical testing. Allele origin: germline.
Comment: The p.P117A variant (also known as c.349C>G), located in coding exon 3 of the RET gene, results from a C to G substitution at nucleotide position 349. The proline at codon 117 is replaced by alanine, an amino acid with highly similar properties. This amino acid position is conserved. In addition, this alteration is predicted to be tolerated by in silico analysis. Since supporting evidence is limited at this time, the clinical significance of this alteration remains unclear.

NM_020975.6(RET):c.349C>G (p.Pro117Ala)

Gene: RET (ret proto-oncogene; plus strand). Cytogenetic location: 10q11.21.
Variant type: single nucleotide variant.
Coding change: c.349C>G on transcript NM_020975.6 (MANE Select); coding-DNA position 349, C replaced by G.
Protein change: p.Pro117Ala; replaces proline 117 with alanine.
Molecular consequence: missense variant. On other transcripts: intron variant (22).
Genome position (GRCh38, 1-based): chr10:43,102,353, C>G. VCF-style: chr10-43102353-C-G. GRCh37 (hg19) VCF-style: chr10-43597801-C-G.
Other names: c.349C>G, p.Pro117Ala (NM_000323.2, NM_001406743.1, NM_001406744.1 and 16 more transcripts); c.338-118C>G (NM_001406764.1, NM_001406762.1, NM_001406761.1 and 4 more transcripts); c.337+1631C>G (NM_001406770.1, NM_001406766.1, NM_001406767.1 and 8 more transcripts); c.74-6678C>G (NM_001406784.1); c.74-9746C>G (NM_001406794.1, NM_001406792.1, NM_001406793.1); short protein forms P117A.
Identifiers: ClinVar variation 2587873 (VCV002587873.5), dbSNP rs868523779, ClinGen allele CA376770640.